The following is an entry in ClinVar:

ClinVar aggregate classification (germline): Uncertain significance. Review status: criteria provided, multiple submitters, no conflicts (2 of 4 stars). 2 submissions from 2 submitters: Uncertain significance (2). Last evaluated 2025-06-02.

Conditions:
Fanconi anemia (FA). Also called: Fanconi's anemia. Identifiers: Orphanet 84, MedGen C0015625, MeSH D005199, MONDO:0019391.
Inborn genetic diseases. Identifiers: MedGen C0950123, MeSH D030342.

Allele frequency attached by ClinVar (database versions not stated): gnomAD exomes below 0.00001.
gnomAD v4.1: 1 of 1,614,152 alleles (0.000062%); highest among the groups gnomAD compares: Non-Finnish European, 0.000085%; no homozygotes.

Submissions (2):

Ambry Genetics
Classification: Uncertain significance for Inborn genetic diseases. Last evaluated: 2025-06-02. Review status: criteria provided, single submitter. Criteria: Ambry Variant Classification Scheme 2023. Collection method: clinical testing. Allele origin: germline.
Comment: The p.A181T variant (also known as c.541G>A), located in coding exon 6 of the FANCA gene, results from a G to A substitution at nucleotide position 541. The alanine at codon 181 is replaced by threonine, an amino acid with similar properties. This amino acid position is conserved. In addition, this alteration is predicted to be tolerated by in silico analysis. Based on the available evidence, the clinical significance of this variant remains unclear.

Labcorp Genetics (formerly Invitae), Labcorp
Classification: Uncertain significance for Fanconi anemia. Last evaluated: 2021-08-28. Review status: criteria provided, single submitter. Criteria: Invitae Variant Classification Sherloc (09022015). Collection method: clinical testing. Allele origin: germline.
Comment: This sequence change replaces alanine with threonine at codon 181 of the FANCA protein (p.Ala181Thr). The alanine residue is weakly conserved and there is a small physicochemical difference between alanine and threonine. This variant is not present in population databases (ExAC no frequency). This variant has not been reported in the literature in individuals affected with FANCA-related conditions. Advanced modeling of protein sequence and biophysical properties (such as structural, functional, and spatial information, amino acid conservation, physicochemical variation, residue mobility, and thermodynamic stability) performed at Invitae indicates that this missense variant is not expected to disrupt FANCA protein function. In summary, the available evidence is currently insufficient to determine the role of this variant in disease. Therefore, it has been classified as a Variant of Uncertain Significance.

NM_000135.4(FANCA):c.541G>A (p.Ala181Thr)

Gene: FANCA (FA complementation group A; minus strand). Cytogenetic location: 16q24.3.
Variant type: single nucleotide variant.
Coding change: c.541G>A on transcript NM_000135.4 (MANE Select); coding-DNA position 541, G replaced by A.
Protein change: p.Ala181Thr; replaces alanine 181 with threonine.
Molecular consequence: missense variant.
Genome position (GRCh38, 1-based): chr16:89,808,349, C>T on the plus strand (G>A on the coding strand, the complement: FANCA is on the minus strand). VCF-style: chr16-89808349-C-T. GRCh37 (hg19) VCF-style: chr16-89874757-C-T.
Other names: c.541G>A, p.Ala181Thr (NM_001018112.3, NM_001286167.3); c.445G>A, p.Ala149Thr (NM_001351830.2); c.541G>A (NM_000135.2); short protein forms A181T, A149T.
Identifiers: ClinVar variation 1445515 (VCV001445515.7), dbSNP rs2143657513, ClinGen allele CA397479388.
Genomic context (GRCh38, chr16:89,808,349, plus strand): 5'-GCTACCTTTCCAGCAGCTCTTGCAGGCTCACAATGCCTTGTACGTGAAGATGCCACACCG[C>T]TTCAAGCAACAAAGAACTCTGAAAAACAAAACAAAACAAACAAAAACAAAAACAAAAAAA-3'
Protein context (NP_000126.2, residues 171-191): WKIQSSLLLE[Ala181Thr]VWHLHVQGIV